The following is an entry in ClinVar:

NM_002296.4(LBR):c.215C>T (p.Pro72Leu)

Gene: LBR (lamin B receptor; minus strand). Cytogenetic location: 1q42.12.
Variant type: single nucleotide variant.
Coding change: c.215C>T on transcript NM_002296.4 (MANE Select); coding-DNA position 215, C replaced by T.
Protein change: p.Pro72Leu; replaces proline 72 with leucine.
Molecular consequence: missense variant.
Genome position (GRCh38, 1-based): chr1:225,422,228, G>A on the plus strand (C>T on the coding strand, the complement: LBR is on the minus strand). VCF-style: chr1-225422228-G-A. GRCh37 (hg19) VCF-style: chr1-225609930-G-A.
Other names: c.215C>T, p.Pro72Leu (NM_194442.3); c.215C>T (NM_002296.3); short protein forms P72L.
Identifiers: ClinVar variation 2718379 (VCV002718379.4), dbSNP rs1367356844, ClinGen allele CA345001759.

ClinVar aggregate classification (germline): Uncertain significance. Review status: criteria provided, multiple submitters, no conflicts (2 of 4 stars). 2 submissions from 2 submitters: Uncertain significance (2). Last evaluated 2025-08-22.

Conditions:
Inborn genetic diseases. Identifiers: MedGen C0950123, MeSH D030342.

Allele frequency attached by ClinVar (database versions not stated): gnomAD exomes below 0.00001; gnomAD 0.00001; TOPMed 0.00001.
gnomAD v4.1: 7 of 1,613,832 alleles (0.00043%); highest among the groups gnomAD compares: Admixed American, 0.005%; no homozygotes.

Submissions (2):

Ambry Genetics
Classification: Uncertain significance for Inborn genetic diseases. Last evaluated: 2025-08-22. Review status: criteria provided, single submitter. Criteria: Ambry Variant Classification Scheme 2023. Collection method: clinical testing. Allele origin: germline.

Labcorp Genetics (formerly Invitae), Labcorp
Classification: Uncertain significance. Last evaluated: 2023-10-20. Review status: criteria provided, single submitter. Criteria: Invitae Variant Classification Sherloc (09022015). Collection method: clinical testing. Allele origin: germline.
Comment: This sequence change replaces proline, which is neutral and non-polar, with leucine, which is neutral and non-polar, at codon 72 of the LBR protein (p.Pro72Leu). This variant is present in population databases (no rsID available, gnomAD 0.009%). This variant has not been reported in the literature in individuals affected with LBR-related conditions. Advanced modeling of protein sequence and biophysical properties (such as structural, functional, and spatial information, amino acid conservation, physicochemical variation, residue mobility, and thermodynamic stability) performed at Invitae indicates that this missense variant is expected to disrupt LBR protein function. Algorithms developed to predict the effect of sequence changes on RNA splicing suggest that this variant may create or strengthen a splice site. In summary, the available evidence is currently insufficient to determine the role of this variant in disease. Therefore, it has been classified as a Variant of Uncertain Significance.